The following is an entry in ClinVar:

ClinVar aggregate classification (germline): Uncertain significance (1 of 4 stars; one submission).

Allele frequency attached by ClinVar (database versions not stated): gnomAD 0.00001; gnomAD exomes 0.00001; TOPMed 0.00001; ExAC 0.00002.
gnomAD v4.1: 15 of 1,613,500 alleles (0.00093%); highest among the groups gnomAD compares: South Asian, 0.0033%; no homozygotes.

Submission:

Labcorp Genetics (formerly Invitae), Labcorp
Classification: Uncertain significance. Last evaluated: 2023-04-05. Review status: criteria provided, single submitter. Criteria: Invitae Variant Classification Sherloc (09022015). Collection method: clinical testing. Allele origin: germline.
Comment: ClinVar contains an entry for this variant (Variation ID: 2414724). In summary, the available evidence is currently insufficient to determine the role of this variant in disease. Therefore, it has been classified as a Variant of Uncertain Significance. An algorithm developed to predict the effect of missense changes on protein structure and function (PolyPhen-2) suggests that this variant is likely to be disruptive. This variant has not been reported in the literature in individuals affected with POP1-related conditions. This variant is present in population databases (rs748242967, gnomAD 0.003%). This sequence change replaces threonine, which is neutral and polar, with methionine, which is neutral and non-polar, at codon 426 of the POP1 protein (p.Thr426Met).

NM_001145860.2(POP1):c.1277C>T (p.Thr426Met)

Gene: POP1 (POP1 homolog, ribonuclease P/MRP subunit; plus strand). Cytogenetic location: 8q22.2.
Variant type: single nucleotide variant.
Coding change: c.1277C>T on transcript NM_001145860.2 (MANE Select); coding-DNA position 1277, C replaced by T.
Protein change: p.Thr426Met; replaces threonine 426 with methionine.
Molecular consequence: missense variant.
Genome position (GRCh38, 1-based): chr8:98,136,869, C>T. VCF-style: chr8-98136869-C-T. GRCh37 (hg19) VCF-style: chr8-99149097-C-T.
Other names: c.1277C>T, p.Thr426Met (NM_001145861.2, NM_015029.3); short protein forms T426M.
Identifiers: ClinVar variation 2414724 (VCV002414724.4), dbSNP rs748242967, ClinGen allele CA4820539.